The following is an entry in ClinVar:

ClinVar aggregate classification (germline): Uncertain significance (1 of 4 stars; one submission).

Allele frequency attached by ClinVar (database versions not stated): ExAC 0.00001; gnomAD exomes 0.00001 and 0.00002; TOPMed 0.00001; gnomAD 0.00002.

Submission:

Labcorp Genetics (formerly Invitae), Labcorp
Classification: Uncertain significance. Last evaluated: 2023-04-09. Review status: criteria provided, single submitter. Criteria: Invitae Variant Classification Sherloc (09022015). Collection method: clinical testing. Allele origin: germline.
Comment: In summary, the available evidence is currently insufficient to determine the role of this variant in disease. Therefore, it has been classified as a Variant of Uncertain Significance. An algorithm developed to predict the effect of missense changes on protein structure and function (PolyPhen-2) suggests that this variant is likely to be disruptive. ClinVar contains an entry for this variant (Variation ID: 1019998). This variant has not been reported in the literature in individuals affected with RBP4-related conditions. This variant is present in population databases (rs758050576, gnomAD 0.002%). This sequence change replaces histidine, which is basic and polar, with arginine, which is basic and polar, at codon 188 of the RBP4 protein (p.His188Arg).

NM_006744.4(RBP4):c.563A>G (p.His188Arg)

Gene: RBP4 (retinol binding protein 4; minus strand). Cytogenetic location: 10q23.33.
Variant type: single nucleotide variant.
Coding change: c.563A>G on transcript NM_006744.4 (MANE Select); coding-DNA position 563, A replaced by G.
Protein change: p.His188Arg; replaces histidine 188 with arginine.
Molecular consequence: missense variant.
Genome position (GRCh38, 1-based): chr10:93,593,828, T>C on the plus strand (A>G on the coding strand, the complement: RBP4 is on the minus strand). VCF-style: chr10-93593828-T-C. GRCh37 (hg19) VCF-style: chr10-95353585-T-C.
Other names: c.563A>G, p.His188Arg (NM_001323517.1); c.557A>G, p.His186Arg (NM_001323518.2); short protein forms H186R, H188R.
Identifiers: ClinVar variation 1019998 (VCV001019998.8), dbSNP rs758050576, ClinGen allele CA5609514.